The following is an entry in ClinVar:

ClinVar aggregate classification (germline): Uncertain significance (1 of 4 stars; one submission).

gnomAD v4.1: 1 of 1,583,744 alleles (0.000063%); highest among the groups gnomAD compares: South Asian, 0.0012%; no homozygotes.

Submission:

Ambry Genetics
Classification: Uncertain significance. Last evaluated: 2026-07-22. Review status: criteria provided, single submitter. Criteria: Ambry Variant Classification Scheme 2023. Collection method: clinical testing. Allele origin: germline.
Comment: The p.F1936C variant (also known as c.5807T>G), located in coding exon 23 of the WNK2 gene, results from a T to G substitution at nucleotide position 5807. The phenylalanine at codon 1936 is replaced by cysteine, an amino acid with highly dissimilar properties. This amino acid position is conserved. In addition, the in silico prediction for this alteration is inconclusive. Based on the available evidence, the clinical significance of this variant remains unclear.

NM_006648.4(WNK2):c.5807T>G (p.Phe1936Cys)

Gene: WNK2 (WNK lysine deficient protein kinase 2; plus strand). Cytogenetic location: 9q22.31.
Variant type: single nucleotide variant.
Coding change: c.5807T>G on transcript NM_006648.4 (MANE Select); coding-DNA position 5807, T replaced by G.
Protein change: p.Phe1936Cys; replaces phenylalanine 1936 with cysteine.
Molecular consequence: missense variant.
Genome position (GRCh38, 1-based): chr9:93,297,951, T>G. VCF-style: chr9-93297951-T-G. GRCh37 (hg19) VCF-style: chr9-96060233-T-G.
Other names: c.5918T>G, p.Phe1973Cys (NM_001282394.3); short protein forms F1936C, F1973C.
Identifiers: ClinVar variation 5031875 (VCV005031875.1).